The following is an entry in ClinVar:

NM_001374828.1(ARID1B):c.2379T>C (p.His793=)

Gene: ARID1B (AT-rich interaction domain 1B; plus strand). Cytogenetic location: 6q25.3.
Variant type: single nucleotide variant.
Coding change: c.2379T>C on transcript NM_001374828.1 (MANE Select); coding-DNA position 2379, T replaced by C.
Protein change: p.His793=; no amino-acid change (histidine 793 retained).
Molecular consequence: synonymous variant. On other transcripts: 5 prime UTR variant (1).
Genome position (GRCh38, 1-based): chr6:157,084,793, T>C. VCF-style: chr6-157084793-T-C. GRCh37 (hg19) VCF-style: chr6-157405927-T-C.
Other names: c.2169T>C, p.His723= (NM_020732.3); c.-121T>C (NM_001363725.2); c.2418T>C, p.His806= (NM_001371656.1, NM_001374820.1); c.2379T>C, p.His793= (NM_017519.3).
Identifiers: ClinVar variation 210276 (VCV000210276.18), dbSNP rs370364530, ClinGen allele CA206553.

ClinVar aggregate classification (germline): Conflicting classifications of pathogenicity. Review status: criteria provided, conflicting classifications (1 of 4 stars). 5 submissions from 5 submitters: Uncertain significance (1); Benign (1); Likely benign (2). 1 of the submissions does not count toward it. Last evaluated 2026-01-05.

Conditions:
ARID1B-Related Disorder. Identifiers: MedGen CN381337.
Coffin-Siris syndrome 1 (CSS1). Also called: Mental retardation, autosomal dominant 12; ARID1B-Related Coffin-Siris Syndrome. Identifiers: Orphanet 1465, MedGen C3281201, MONDO:0007617, OMIM 135900. Disease mechanism: gain of function.

Allele frequency attached by ClinVar (database versions not stated): gnomAD exomes 0.00002 and 0.00007; ExAC 0.00009; gnomAD 0.00021 and 0.00024; ESP Exome Variant Server 0.00023; TOPMed 0.00030.
gnomAD v4.1: 66 of 1,614,110 alleles (0.0041%); highest among the groups gnomAD compares: African/African-American, 0.063%; no homozygotes.

Submissions (5):

Labcorp Genetics (formerly Invitae), Labcorp
Classification: Likely benign. Last evaluated: 2026-01-05. Review status: criteria provided, single submitter. Criteria: Invitae Variant Classification Sherloc (09022015). Collection method: clinical testing. Allele origin: germline.

Genome-Nilou Lab
Classification: Likely benign for Coffin-Siris syndrome 1. Last evaluated: 2021-07-15. Review status: criteria provided, single submitter. Criteria: ACMG Guidelines, 2015. Collection method: clinical testing. Allele origin: germline. Affected: no.

GeneDx
Classification: Benign. Last evaluated: 2019-09-30. Review status: criteria provided, single submitter. Criteria: GeneDx Variant Classification Process June 2021. Collection method: clinical testing. Allele origin: germline. Affected: yes.

Genetic Services Laboratory, University of Chicago
Classification: Uncertain significance. Last evaluated: 2015-01-12. Review status: criteria provided, single submitter. Criteria: ACMG Guidelines, 2015. Collection method: clinical testing. Allele origin: germline.

PreventionGenetics, part of Exact Sciences
Classification: Likely benign for ARID1B-related condition. Last evaluated: 2023-02-08. Review status: no assertion criteria provided. Collection method: clinical testing. Allele origin: germline. Not counted in ClinVar's aggregate classification.
Comment: This variant is classified as likely benign based on ACMG/AMP sequence variant interpretation guidelines (Richards et al. 2015 PMID: 25741868, with internal and published modifications).